The following is an entry in ClinVar:

ClinVar aggregate classification (germline): Uncertain significance. Review status: criteria provided, multiple submitters, no conflicts (2 of 4 stars). 2 submissions from 2 submitters: Uncertain significance (2). Last evaluated 2024-10-13.

Conditions:
Cardiovascular phenotype. Identifiers: MedGen CN230736.
Dilated cardiomyopathy 1O (CMD1O). Also called: CARDIOMYOPATHY, DILATED, WITH VENTRICULAR TACHYCARDIA. Identifiers: Orphanet 154, MedGen C1837839, MONDO:0012062, OMIM 608569.

Allele frequency attached by ClinVar (database versions not stated): gnomAD exomes below 0.00001 and 0.00001; ExAC 0.00001; gnomAD 0.00002; TOPMed 0.00002.
gnomAD v4.1: 4 of 1,613,496 alleles (0.00025%); highest among the groups gnomAD compares: African/African-American, 0.0053%; no homozygotes.

Submissions (2):

Labcorp Genetics (formerly Invitae), Labcorp
Classification: Uncertain significance for Dilated cardiomyopathy 1O. Last evaluated: 2024-10-13. Review status: criteria provided, single submitter. Criteria: Invitae Variant Classification Sherloc (09022015). Collection method: clinical testing. Allele origin: germline.
Comment: This sequence change replaces aspartic acid, which is acidic and polar, with glycine, which is neutral and non-polar, at codon 786 of the ABCC9 protein (p.Asp786Gly). This variant is present in population databases (rs753010015, gnomAD 0.01%). This variant has not been reported in the literature in individuals affected with ABCC9-related conditions. ClinVar contains an entry for this variant (Variation ID: 1477196). Invitae Evidence Modeling of protein sequence and biophysical properties (such as structural, functional, and spatial information, amino acid conservation, physicochemical variation, residue mobility, and thermodynamic stability) has been performed for this missense variant. However, the output from this modeling did not meet the statistical confidence thresholds required to predict the impact of this variant on ABCC9 protein function. In summary, the available evidence is currently insufficient to determine the role of this variant in disease. Therefore, it has been classified as a Variant of Uncertain Significance.

Ambry Genetics
Classification: Uncertain significance for Cardiovascular phenotype. Last evaluated: 2024-06-04. Review status: criteria provided, single submitter. Criteria: Ambry Variant Classification Scheme 2023. Collection method: clinical testing. Allele origin: germline.
Comment: The p.D786G variant (also known as c.2357A>G), located in coding exon 19 of the ABCC9 gene, results from an A to G substitution at nucleotide position 2357. The aspartic acid at codon 786 is replaced by glycine, an amino acid with similar properties. This amino acid position is well conserved in available vertebrate species. In addition, this alteration is predicted to be deleterious by in silico analysis. Based on the available evidence, the clinical significance of this variant remains unclear.

NM_020297.4(ABCC9):c.2357A>G (p.Asp786Gly)

Gene: ABCC9 (ATP binding cassette subfamily C member 9; minus strand). Cytogenetic location: 12p12.1.
Variant type: single nucleotide variant.
Coding change: c.2357A>G on transcript NM_020297.4 (MANE Select); coding-DNA position 2357, A replaced by G.
Protein change: p.Asp786Gly; replaces aspartic acid 786 with glycine.
Molecular consequence: missense variant.
Genome position (GRCh38, 1-based): chr12:21,861,038, T>C on the plus strand (A>G on the coding strand, the complement: ABCC9 is on the minus strand). VCF-style: chr12-21861038-T-C. GRCh37 (hg19) VCF-style: chr12-22013972-T-C.
Other names: c.2357A>G (NM_005691.2); c.2357A>G, p.Asp786Gly (NM_001377273.1, NM_005691.4); c.1490A>G, p.Asp497Gly (NM_001377274.1); short protein forms D497G, D786G.
Identifiers: ClinVar variation 1477196 (VCV001477196.7), dbSNP rs753010015, ClinGen allele CA6481403.